The following is an entry in ClinVar:

ClinVar aggregate classification (germline): Conflicting classifications of pathogenicity. Review status: criteria provided, conflicting classifications (1 of 4 stars). 2 submissions from 2 submitters: Uncertain significance (1); Benign (1). Last evaluated 2022-07-01.

Conditions:
Sick sinus syndrome 2, autosomal dominant (SSS2). Also called: ATRIAL FIBRILLATION WITH BRADYARRHYTHMIA; SINUS BRADYCARDIA SYNDROME, FAMILIAL, AUTOSOMAL DOMINANT; SINUS NODE DISEASE, FAMILIAL, AUTOSOMAL DOMINANT; SICK SINUS SYNDROME 2; SICK SINUS SYNDROME 2 WITH OR WITHOUT CARDIAC NONCOMPACTION AND/OR ASCENDING AORTA DILATION. Identifiers: Orphanet 166282, MedGen C1834144, MONDO:0008102, OMIM 163800.

Allele frequency attached by ClinVar (database versions not stated): gnomAD 0.00034 and 0.00036; TOPMed 0.00045.

Submissions (2):

CeGaT Center for Human Genetics Tuebingen
Classification: Benign. Last evaluated: 2022-07-01. Review status: criteria provided, single submitter. Criteria: CeGaT Center For Human Genetics Tuebingen Variant Classification Criteria Version 2. Collection method: clinical testing. Allele origin: germline. Affected: yes. Observed: 1 variant allele.
Comment: HCN4: BS1, BS2

Illumina Laboratory Services, Illumina
Classification: Uncertain significance for Sick sinus syndrome 2, autosomal dominant. Last evaluated: 2018-01-13. Review status: criteria provided, single submitter. Criteria: ICSL Variant Classification Criteria 13 December 2019. Collection method: clinical testing. Allele origin: germline.

NM_005477.3(HCN4):c.*1085A>C

Gene: HCN4 (hyperpolarization activated cyclic nucleotide gated potassium channel 4; minus strand). Cytogenetic location: 15q24.1.
Variant type: single nucleotide variant.
Coding change: c.*1085A>C on transcript NM_005477.3 (MANE Select); 1085 bases downstream of the stop codon, A replaced by C.
Molecular consequence: 3 prime UTR variant.
Genome position (GRCh38, 1-based): chr15:73,321,396, T>G on the plus strand (A>C on the coding strand, the complement: HCN4 is on the minus strand). VCF-style: chr15-73321396-T-G. GRCh37 (hg19) VCF-style: chr15-73613737-T-G.
Identifiers: ClinVar variation 887844 (VCV000887844.28), dbSNP rs563333401, ClinGen allele CA272662204.